The following is an entry in ClinVar:

NM_001197104.2(KMT2A):c.9910_9911del (p.Leu3304fs)

Gene: KMT2A (lysine methyltransferase 2A; plus strand). Cytogenetic location: 11q23.3.
Variant type: Deletion.
Coding change: c.9910_9911del on transcript NM_001197104.2 (MANE Select); coding-DNA positions 9910 to 9911, 2 bases deleted (CT; older notation c.9910_9911delCT).
Protein change: p.Leu3304fs; shifts the reading frame from leucine 3304.
Molecular consequence: frameshift variant.
Genome position (GRCh38, 1-based): chr11:118,505,802-118,505,803, CT deleted. VCF-style (leftmost placement, unchanged base first): chr11-118505801-CCT-C. GRCh37 (hg19) VCF-style: chr11-118376516-CCT-C.
Other names: c.9910_9911delCT (NM_001197104.1); c.9901_9902del, p.Leu3301fs (NM_005933.4); c.9910_9911del (NM_001197104.1); short protein forms L3301fs, L3304fs.
Identifiers: ClinVar variation 280667 (VCV000280667.29), dbSNP rs886041834, ClinGen allele CA10603245.

ClinVar aggregate classification (germline): Pathogenic/Likely pathogenic. Review status: criteria provided, multiple submitters, no conflicts (2 of 4 stars). 5 submissions from 5 submitters: Pathogenic (4); Likely pathogenic (1). Last evaluated 2025-10-07.

Conditions:
Wiedemann-Steiner syndrome (WDSTS). Also called: Growth deficiency and mental retardation with facial dysmorphism. Identifiers: Orphanet 319182, MedGen C1854630, MONDO:0011518, OMIM 605130.

Submissions (5):

GeneDx
Classification: Pathogenic. Last evaluated: 2025-10-07. Review status: criteria provided, single submitter. Criteria: GeneDx Variant Classification Process June 2021. Collection method: clinical testing. Allele origin: germline. Affected: yes.
Comment: Reported previously as a de novo variant in a patient with a developmental disorder; however, other de novo variants were also reported and no further clinical information was provided (PMID: 33057194); Frameshift variant predicted to result in protein truncation or nonsense mediated decay in a gene for which loss of function is a known mechanism of disease; Not observed at significant frequency in large population cohorts (gnomAD); This variant is associated with the following publications: (PMID: 35982159, 33057194)

Labcorp Genetics (formerly Invitae), Labcorp
Classification: Pathogenic. Last evaluated: 2024-03-04. Review status: criteria provided, single submitter. Criteria: Invitae Variant Classification Sherloc (09022015). Collection method: clinical testing. Allele origin: germline.
Comment: This sequence change creates a premature translational stop signal (p.Leu3304Valfs*23) in the KMT2A gene. It is expected to result in an absent or disrupted protein product. Loss-of-function variants in KMT2A are known to be pathogenic (PMID: 22795537, 25810209, 29574747). This variant is not present in population databases (gnomAD no frequency). This variant has not been reported in the literature in individuals affected with KMT2A-related conditions. ClinVar contains an entry for this variant (Variation ID: 280667). For these reasons, this variant has been classified as Pathogenic.

Medical Genetics Center, Maternal and Child Health Hospital of Hubei Province
Classification: Likely pathogenic for Wiedemann-Steiner syndrome. Last evaluated: 2023-11-15. Review status: criteria provided, single submitter. Criteria: ACMG Guidelines, 2015. Collection method: clinical testing. Allele origin: de novo. Affected: yes.
Comment: PVS1+PM2_Supporting

CeGaT Center for Human Genetics Tuebingen
Classification: Pathogenic. Last evaluated: 2023-11-01. Review status: criteria provided, single submitter. Criteria: CeGaT Center For Human Genetics Tuebingen Variant Classification Criteria Version 2. Collection method: clinical testing. Allele origin: germline. Affected: yes. Observed: 1 variant allele.
Comment: KMT2A: PVS1, PM2, PS2:Moderate

3billion
Classification: Pathogenic for Wiedemann-Steiner syndrome. Last evaluated: 2023-06-08. Review status: criteria provided, single submitter. Criteria: ACMG Guidelines, 2015. Collection method: clinical testing. Allele origin: germline. Affected: yes.
Comment: The variant is not observed in the gnomAD v2.1.1 dataset. Predicted Consequence/Location: Frameshift: predicted to result in a loss or disruption of normal protein function through nonsense-mediated decay (NMD) or protein truncation. Multiple pathogenic variants are reported downstream of the variant. The variant has been reported to be associated with KMT2A related disorder (ClinVar ID: VCV000280667). Therefore, this variant is classified as Pathogenic according to the recommendation of ACMG/AMP guideline.

Literature cited by the submitters: PubMed 22795537 (cited by Labcorp Genetics (formerly Invitae), Labcorp); PubMed 25810209 (cited by Labcorp Genetics (formerly Invitae), Labcorp); PubMed 29574747 (cited by Labcorp Genetics (formerly Invitae), Labcorp).